The following is an entry in ClinVar:

NM_001127222.2(CACNA1A):c.2803C>T (p.Arg935Trp)

Gene: CACNA1A (calcium voltage-gated channel subunit alpha1 A; minus strand). Cytogenetic location: 19p13.13.
Variant type: single nucleotide variant.
Coding change: c.2803C>T on transcript NM_001127222.2 (MANE Select); coding-DNA position 2803, C replaced by T.
Protein change: p.Arg935Trp; replaces arginine 935 with tryptophan.
Molecular consequence: missense variant.
Genome position (GRCh38, 1-based): chr19:13,298,830, G>A on the plus strand (C>T on the coding strand, the complement: CACNA1A is on the minus strand). VCF-style: chr19-13298830-G-A. GRCh37 (hg19) VCF-style: chr19-13409644-G-A.
Other names: c.2815C>T, p.Arg939Trp (NM_000068.4, NM_023035.3); c.2806C>T, p.Arg936Trp (NM_001127221.2, NM_001174080.2); short protein forms R939W, R935W, R936W.
Identifiers: ClinVar variation 834238 (VCV000834238.10), dbSNP rs931394162, ClinGen allele CA305506330.

ClinVar aggregate classification (germline): Uncertain significance (1 of 4 stars; one submission).

Conditions:
Developmental and epileptic encephalopathy, 42 (DEE42A). Also called: Epileptic encephalopathy, early infantile, 42; DEVELOPMENTAL AND EPILEPTIC ENCEPHALOPATHY 42A; EPILEPTIC ENCEPHALOPATHY, EARLY INFANTILE, 42A. Identifiers: MedGen C4310716, MONDO:0014917, OMIM 617106.
Episodic ataxia type 2 (EA2). Also called: EPISODIC ATAXIA, NYSTAGMUS-ASSOCIATED; ACETAZOLAMIDE-RESPONSIVE HEREDITARY PAROXYSMAL CEREBELLAR ATAXIA; ATAXIA, EPISODIC, WITH NYSTAGMUS; ATAXIA, FAMILIAL PAROXYSMAL; CEREBELLAR ATAXIA, PAROXYSMAL, ACETAZOLAMIDE-RESPONSIVE; CEREBELLOPATHY, HEREDITARY PAROXYSMAL. Identifiers: Orphanet 97, MedGen C1720416, MONDO:0007163, OMIM 108500.

Allele frequency attached by ClinVar (database versions not stated): TOPMed 0.00001.
gnomAD v4.1: 9 of 1,576,070 alleles (0.00057%); highest among the groups gnomAD compares: East Asian, 0.0023%; no homozygotes.

Submission:

Labcorp Genetics (formerly Invitae), Labcorp
Classification: Uncertain significance for Developmental and epileptic encephalopathy, 42; Episodic ataxia type 2. Last evaluated: 2024-12-24. Review status: criteria provided, single submitter. Criteria: Invitae Variant Classification Sherloc (09022015). Collection method: clinical testing. Allele origin: germline.
Comment: This sequence change replaces arginine, which is basic and polar, with tryptophan, which is neutral and slightly polar, at codon 936 of the CACNA1A protein (p.Arg936Trp). This variant is not present in population databases (gnomAD no frequency). This variant has not been reported in the literature in individuals affected with CACNA1A-related conditions. ClinVar contains an entry for this variant (Variation ID: 834238). Invitae Evidence Modeling of protein sequence and biophysical properties (such as structural, functional, and spatial information, amino acid conservation, physicochemical variation, residue mobility, and thermodynamic stability) indicates that this missense variant is not expected to disrupt CACNA1A protein function with a negative predictive value of 95%. In summary, the available evidence is currently insufficient to determine the role of this variant in disease. Therefore, it has been classified as a Variant of Uncertain Significance.